The following is an entry in ClinVar:

NM_000038.6(APC):c.4037C>G (p.Ser1346Ter)

Gene: APC (APC regulator of Wnt signaling pathway; plus strand). Cytogenetic location: 5q22.2.
Variant type: single nucleotide variant.
Coding change: c.4037C>G on transcript NM_000038.6 (MANE Select); coding-DNA position 4037, C replaced by G.
Protein change: p.Ser1346Ter; replaces serine 1346 with a stop codon.
Molecular consequence: nonsense. On other transcripts: non-coding transcript variant (2).
Genome position (GRCh38, 1-based): chr5:112,839,631, C>G. VCF-style: chr5-112839631-C-G. GRCh37 (hg19) VCF-style: chr5-112175328-C-G.
Other names: c.4037C>G, p.Ser1346Ter (NM_001127510.3, NM_001354895.2, NM_001407450.1); c.3983C>G, p.Ser1328Ter (NM_001127511.3); c.4091C>G, p.Ser1364Ter (NM_001354896.2, NM_001407447.1, NM_001407448.1 and 1 more transcripts); c.4067C>G, p.Ser1356Ter (NM_001354897.2); c.3962C>G, p.Ser1321Ter (NM_001354898.2); c.3953C>G, p.Ser1318Ter (NM_001354899.2); c.3914C>G, p.Ser1305Ter (NM_001354900.2); c.3860C>G, p.Ser1287Ter (NM_001354901.2, NM_001407453.1); and 11 more; short protein forms S1217*, S1263*, S1336*, S1374*, S1186*, S1245*, S1305*, S1318*.
Identifiers: ClinVar variation 2734769 (VCV002734769.3), dbSNP rs2149904709, ClinGen allele CA16030182.

ClinVar aggregate classification (germline): Pathogenic (1 of 4 stars; one submission).

Conditions:
Familial adenomatous polyposis 1 (FAP1). Also called: POLYPOSIS, ADENOMATOUS INTESTINAL; FAMILIAL ADENOMATOUS POLYPOSIS 1, ATTENUATED. Identifiers: MedGen C2713442, MONDO:0021056, OMIM 175100. Disease mechanism: loss of function.

Submission:

Labcorp Genetics (formerly Invitae), Labcorp
Classification: Pathogenic for Familial adenomatous polyposis 1. Last evaluated: 2024-01-17. Review status: criteria provided, single submitter. Criteria: Invitae Variant Classification Sherloc (09022015). Collection method: clinical testing. Allele origin: germline.
Comment: This sequence change creates a premature translational stop signal (p.Ser1346*) in the APC gene. While this is not anticipated to result in nonsense mediated decay, it is expected to disrupt the last 1498 amino acid(s) of the APC protein. This variant is not present in population databases (gnomAD no frequency). This premature translational stop signal has been observed in individual(s) with familial adenomatous polyposis syndrome (PMID: 28533537). This variant is expected to disrupt the EB1 and HDLG binding sites, which mediate interactions with the cytoskeleton (PMID: 15311282, 17293347). While functional studies have not been performed to directly test the effect on APC protein function, this suggests that disruption of the C-terminal portion of the protein is functionally important. A different truncation (p.Tyr2645Lysfs*14) that lies downstream of this variant has been determined to be pathogenic (PMID: 9824584, 1316610, 27081525, 8381579, 22135120, Invitae). This suggests that deletion of this region of the APC protein is causative of disease. For these reasons, this variant has been classified as Pathogenic.

Literature cited by the submitters: PubMed 28533537; PubMed 15311282; PubMed 17293347; PubMed 9824584; PubMed 1316610; PubMed 27081525; PubMed 8381579; PubMed 22135120.